The following is an entry in ClinVar:

ClinVar aggregate classification (germline): Uncertain significance (1 of 4 stars; one submission).

Conditions:
Aortic aneurysm, familial thoracic 7 (AAT7). Also called: AORTIC DISSECTION, FAMILIAL, WITH OR WITHOUT AORTIC ANEURYSM. Identifiers: MedGen C3151077, MONDO:0013418, OMIM 613780.

Allele frequency attached by ClinVar (database versions not stated): gnomAD exomes 0.00001.
gnomAD v4.1: 5 of 1,614,136 alleles (0.00031%); highest among the groups gnomAD compares: Admixed American, 0.005%; no homozygotes.

Submission:

Labcorp Genetics (formerly Invitae), Labcorp
Classification: Uncertain significance for Aortic aneurysm, familial thoracic 7. Last evaluated: 2022-07-19. Review status: criteria provided, single submitter. Criteria: Invitae Variant Classification Sherloc (09022015). Collection method: clinical testing. Allele origin: germline.
Comment: This sequence change replaces glutamic acid, which is acidic and polar, with lysine, which is basic and polar, at codon 940 of the MYLK protein (p.Glu940Lys). This variant is present in population databases (no rsID available, gnomAD 0.003%). This variant has not been reported in the literature in individuals affected with MYLK-related conditions. Advanced modeling of protein sequence and biophysical properties (such as structural, functional, and spatial information, amino acid conservation, physicochemical variation, residue mobility, and thermodynamic stability) performed at Invitae indicates that this missense variant is not expected to disrupt MYLK protein function. In summary, the available evidence is currently insufficient to determine the role of this variant in disease. Therefore, it has been classified as a Variant of Uncertain Significance.

NM_053025.4(MYLK):c.2818G>A (p.Glu940Lys)

Gene: MYLK (myosin light chain kinase; minus strand). Cytogenetic location: 3q21.1.
Variant type: single nucleotide variant.
Coding change: c.2818G>A on transcript NM_053025.4 (MANE Select); coding-DNA position 2818, G replaced by A.
Protein change: p.Glu940Lys; replaces glutamic acid 940 with lysine.
Molecular consequence: missense variant.
Genome position (GRCh38, 1-based): chr3:123,700,650, C>T on the plus strand (G>A on the coding strand, the complement: MYLK is on the minus strand). VCF-style: chr3-123700650-C-T. GRCh37 (hg19) VCF-style: chr3-123419497-C-T.
Other names: c.2290G>A, p.Glu764Lys (NM_001321309.2); c.2611G>A, p.Glu871Lys (NM_053026.4, NM_053028.4); c.2818G>A, p.Glu940Lys (NM_053027.4); short protein forms E764K, E940K, E871K.
Identifiers: ClinVar variation 1969840 (VCV001969840.5), dbSNP rs1196762486, ClinGen allele CA354231254.